The following is an entry in ClinVar:

NM_003816.3(ADAM9):c.2392T>G (p.Ser798Ala)

Gene: ADAM9 (ADAM metallopeptidase domain 9; plus strand). Cytogenetic location: 8p11.22.
Variant type: single nucleotide variant.
Coding change: c.2392T>G on transcript NM_003816.3 (MANE Select); coding-DNA position 2392, T replaced by G.
Protein change: p.Ser798Ala; replaces serine 798 with alanine.
Molecular consequence: missense variant. On other transcripts: non-coding transcript variant (3).
Genome position (GRCh38, 1-based): chr8:39,103,632, T>G. VCF-style: chr8-39103632-T-G. GRCh37 (hg19) VCF-style: chr8-38961151-T-G.
Other names: short protein forms S798A.
Identifiers: ClinVar variation 1489298 (VCV001489298.6), dbSNP rs983116055, ClinGen allele CA370738888.

ClinVar aggregate classification (germline): Uncertain significance (1 of 4 stars; one submission).

Submission:

Labcorp Genetics (formerly Invitae), Labcorp
Classification: Uncertain significance. Last evaluated: 2021-11-15. Review status: criteria provided, single submitter. Criteria: Invitae Variant Classification Sherloc (09022015). Collection method: clinical testing. Allele origin: germline.
Comment: This sequence change replaces serine, which is neutral and polar, with alanine, which is neutral and non-polar, at codon 798 of the ADAM9 protein (p.Ser798Ala). In summary, the available evidence is currently insufficient to determine the role of this variant in disease. Therefore, it has been classified as a Variant of Uncertain Significance. Algorithms developed to predict the effect of missense changes on protein structure and function (SIFT, PolyPhen-2, Align-GVGD) all suggest that this variant is likely to be tolerated. This variant has not been reported in the literature in individuals affected with ADAM9-related conditions. This variant is not present in population databases (gnomAD no frequency).